The following is an entry in ClinVar:

NM_001040142.2(SCN2A):c.3606T>G (p.Tyr1202Ter)

Gene: SCN2A (sodium voltage-gated channel alpha subunit 2; plus strand). Cytogenetic location: 2q24.3.
Variant type: single nucleotide variant.
Coding change: c.3606T>G on transcript NM_001040142.2 (MANE Select); coding-DNA position 3606, T replaced by G.
Protein change: p.Tyr1202Ter; replaces tyrosine 1202 with a stop codon.
Molecular consequence: nonsense.
Genome position (GRCh38, 1-based): chr2:165,367,302, T>G. VCF-style: chr2-165367302-T-G. GRCh37 (hg19) VCF-style: chr2-166223812-T-G.
Other names: c.3606T>G, p.Tyr1202Ter (NM_001040143.2, NM_001371246.1, NM_001371247.1 and 1 more transcripts); short protein forms Y1202*.
Identifiers: ClinVar variation 3254900 (VCV003254900.1), dbSNP rs2468070549.

ClinVar aggregate classification (germline): Pathogenic (1 of 4 stars; one submission).

Conditions:
Developmental and epileptic encephalopathy, 11 (DEE11). Also called: Early infantile epileptic encephalopathy 11. Identifiers: Orphanet 1934, MedGen C3150987, MONDO:0013388, OMIM 613721.

Submission:

Victorian Clinical Genetics Services, Murdoch Childrens Research Institute
Classification: Pathogenic for Developmental and epileptic encephalopathy, 11. Last evaluated: 2023-07-17. Review status: criteria provided, single submitter. Criteria: ACMG Guidelines, 2015. Collection method: clinical testing. Allele origin: germline. Inheritance: Autosomal dominant inheritance. Affected: yes.
Comment: Based on the classification scheme VCGS_Germline_v1.3.4, this variant is classified as Pathogenic. Following criteria are met: 0103 - Loss of function and gain of function are known mechanisms of disease in this gene. Variants causing a gain of function result in developmental and epileptic encephalopathy 11 (MIM#613721) or benign familial infantile seizures 3 (MIM#607745), whereas variants causing loss of function result in autism spectrum disorder and/or intellectual disability, with or without childhood-onset seizures (OMIM, PMIDs: 29691040, 31904126). (I) 0107 - This gene is associated with autosomal dominant disease. (I) 0201 - Variant is predicted to cause nonsense-mediated decay (NMD) and loss of protein (premature termination codon is located at least 54 nucleotides upstream of the final exon-exon junction). (SP) 0251 - This variant is heterozygous. (I) 0301 - Variant is absent from gnomAD (both v2 and v3). (SP) 0701 - Other NMD-predicted variants comparable to the one identified in this case have very strong previous evidence for pathogenicity. These variants have been reported as pathogenic, and observed in many individuals with autism spectrum disorder and/or intellectual disability, with or without childhood-onset seizures (ClinVar, PMID: 29691040). (SP) 0807 - This variant has no previous evidence of pathogenicity. (I) 0905 - No published segregation evidence has been identified for this variant. (I) 1007 - No published functional evidence has been identified for this variant. (SP) Legend: (SP) - Supporting pathogenic, (I) - Information, (SB) - Supporting benign

Literature cited by the submitters: PubMed 29691040; PubMed 31904126.